The following is an entry in ClinVar:

ClinVar aggregate classification (germline): Uncertain significance (1 of 4 stars; one submission).

Conditions:
Myofibrillar myopathy 5. Also called: Filaminopathy (type); FILAMINOPATHY, AUTOSOMAL DOMINANT. Identifiers: Orphanet 171445, MedGen C1836050, MONDO:0012289, OMIM 609524.
Distal myopathy with posterior leg and anterior hand involvement. Also called: WILLIAMS DISTAL MYOPATHY. Identifiers: Orphanet 63273, MedGen C3279722, MONDO:0013550, OMIM 614065.
Hypertrophic cardiomyopathy 26. Also called: Cardiomyopathy, familial hypertrophic, 26. Identifiers: Orphanet 75249, MedGen C4310749, MONDO:0014883, OMIM 617047.

Submission:

Labcorp Genetics (formerly Invitae), Labcorp
Classification: Uncertain significance for Distal myopathy with posterior leg and anterior hand involvement; Myofibrillar myopathy 5; Hypertrophic cardiomyopathy 26. Last evaluated: 2021-10-18. Review status: criteria provided, single submitter. Criteria: Invitae Variant Classification Sherloc (09022015). Collection method: clinical testing. Allele origin: germline.
Comment: This sequence change replaces arginine with proline at codon 2467 of the FLNC protein (p.Arg2467Pro). The arginine residue is highly conserved and there is a moderate physicochemical difference between arginine and proline. This variant is not present in population databases (ExAC no frequency). In summary, the available evidence is currently insufficient to determine the role of this variant in disease. Therefore, it has been classified as a Variant of Uncertain Significance. Algorithms developed to predict the effect of missense changes on protein structure and function are either unavailable or do not agree on the potential impact of this missense change (SIFT: "Deleterious"; PolyPhen-2: "Probably Damaging"; Align-GVGD: "Class C0"). This variant has not been reported in the literature in individuals affected with FLNC-related conditions.

NM_001458.5(FLNC):c.7400G>C (p.Arg2467Pro)

Genes: FLNC-AS1 (FLNC antisense RNA 1; minus strand), FLNC (filamin C; plus strand). Cytogenetic location: 7q32.1.
Variant type: single nucleotide variant.
Coding change: c.7400G>C on transcript NM_001458.5 (MANE Select); coding-DNA position 7400, G replaced by C.
Protein change: p.Arg2467Pro; replaces arginine 2467 with proline.
Molecular consequence: missense variant.
Genome position (GRCh38, 1-based): chr7:128,856,760, G>C. VCF-style: chr7-128856760-G-C. GRCh37 (hg19) VCF-style: chr7-128496814-G-C.
Other names: c.7301G>C, p.Arg2434Pro (NM_001127487.2); short protein forms R2434P, R2467P.
Identifiers: ClinVar variation 1001829 (VCV001001829.7), dbSNP rs775910704, ClinGen allele CA369217235.
Genomic context (GRCh38, chr7:128,856,760, plus strand): 5'-GGGAGGGGAAGGATGGAGGCTAAGCCACCAACCCTTTATCCACAGACAAGCACACCATCC[G>C]CTTCATCCCCCACGAGAATGGCGTCCACTCCATCGATGTCAAGTTCAACGGTGCCCACAT-3'
Protein context (NP_001449.3, residues 2457-2477): SELDSDKHTI[Arg2467Pro]FIPHENGVHS